The following is an entry in ClinVar:

NM_001371623.1(TCOF1):c.3953A>G (p.Lys1318Arg)

Gene: TCOF1 (treacle ribosome biogenesis factor 1; plus strand). Cytogenetic location: 5q32.
Variant type: single nucleotide variant.
Coding change: c.3953A>G on transcript NM_001371623.1 (MANE Select); coding-DNA position 3953, A replaced by G.
Protein change: p.Lys1318Arg; replaces lysine 1318 with arginine.
Molecular consequence: missense variant.
Genome position (GRCh38, 1-based): chr5:150,396,450, A>G. VCF-style: chr5-150396450-A-G. GRCh37 (hg19) VCF-style: chr5-149776013-A-G.
Other names: c.3719A>G, p.Lys1240Arg (NM_000356.4); c.3950A>G, p.Lys1317Arg (NM_001135243.2); c.3839A>G, p.Lys1280Arg (NM_001135244.2); c.3722A>G, p.Lys1241Arg (NM_001135245.2); c.3836A>G, p.Lys1279Arg (NM_001195141.2); short protein forms K1240R, K1241R, K1279R, K1280R, K1317R, K1318R.
Identifiers: ClinVar variation 2635970 (VCV002635970.1), dbSNP rs1768531236, ClinGen allele CA361741816.

ClinVar aggregate classification (germline): Uncertain significance (1 of 4 stars; one submission).

Conditions:
TCOF1-related disorder. Also called: TCOF1-related condition.

Allele frequency attached by ClinVar (database versions not stated): gnomAD exomes below 0.00001; TOPMed below 0.00001.
gnomAD v4.1: 1 of 1,614,082 alleles (0.000062%); highest among the groups gnomAD compares: South Asian, 0.0011%; no homozygotes.

Submission:

PreventionGenetics, part of Exact Sciences
Classification: Uncertain significance for TCOF1-related condition. Last evaluated: 2023-02-16. Review status: criteria provided, single submitter. Criteria: ACMG Guidelines, 2015. Collection method: clinical testing. Allele origin: germline.
Comment: The TCOF1 c.3950A>G variant is predicted to result in the amino acid substitution p.Lys1317Arg. To our knowledge, this variant has not been reported in the literature or in a large population database, indicating this variant is rare. At this time, the clinical significance of this variant is uncertain due to the absence of conclusive functional and genetic evidence.